The following is an entry in ClinVar:

NM_014855.3(AP5Z1):c.379G>C (p.Glu127Gln)

Gene: AP5Z1 (adaptor related protein complex 5 subunit zeta 1; plus strand). Cytogenetic location: 7p22.1.
Variant type: single nucleotide variant.
Coding change: c.379G>C on transcript NM_014855.3 (MANE Select); coding-DNA position 379, G replaced by C.
Protein change: p.Glu127Gln; replaces glutamic acid 127 with glutamine.
Molecular consequence: missense variant. On other transcripts: 5 prime UTR variant (1), non-coding transcript variant (1).
Genome position (GRCh38, 1-based): chr7:4,783,328, G>C. VCF-style: chr7-4783328-G-C. GRCh37 (hg19) VCF-style: chr7-4822959-G-C.
Other names: c.-90G>C (NM_001364858.1); short protein forms E127Q.
Identifiers: ClinVar variation 853090 (VCV000853090.9), dbSNP rs115454162, ClinGen allele CA366658857.

ClinVar aggregate classification (germline): Uncertain significance (1 of 4 stars; one submission).

Conditions:
Hereditary spastic paraplegia 48. Also called: SPASTIC PARAPLEGIA 48, AUTOSOMAL RECESSIVE; Spastic paraplegia 48. Identifiers: Orphanet 306511, MedGen C3150901, MONDO:0013342, OMIM 613647.

gnomAD v4.1: 1 of 1,609,810 alleles (0.000062%); highest among the groups gnomAD compares: Admixed American, 0.0017%; no homozygotes.

Submission:

Labcorp Genetics (formerly Invitae), Labcorp
Classification: Uncertain significance for Hereditary spastic paraplegia 48. Last evaluated: 2019-01-31. Review status: criteria provided, single submitter. Criteria: Invitae Variant Classification Sherloc (09022015). Collection method: clinical testing. Allele origin: germline.
Comment: This sequence change replaces glutamic acid with glutamine at codon 127 of the AP5Z1 protein (p.Glu127Gln). The glutamic acid residue is moderately conserved and there is a small physicochemical difference between glutamic acid and glutamine. This variant is not present in population databases (ExAC no frequency). This variant has not been reported in the literature in individuals with AP5Z1-related conditions. Algorithms developed to predict the effect of missense changes on protein structure and function output the following: SIFT: "Tolerated"; PolyPhen-2: "Benign"; Align-GVGD: "Class C0". The glutamine amino acid residue is found in multiple mammalian species, suggesting that this missense change does not adversely affect protein function. These predictions have not been confirmed by published functional studies and their clinical significance is uncertain. In summary, the available evidence is currently insufficient to determine the role of this variant in disease. Therefore, it has been classified as a Variant of Uncertain Significance.